The following is an entry in ClinVar:

NM_000702.4(ATP1A2):c.2432C>G (p.Thr811Arg)

Gene: ATP1A2 (ATPase Na+/K+ transporting subunit alpha 2; plus strand). Cytogenetic location: 1q23.2.
Variant type: single nucleotide variant.
Coding change: c.2432C>G on transcript NM_000702.4 (MANE Select); coding-DNA position 2432, C replaced by G.
Protein change: p.Thr811Arg; replaces threonine 811 with arginine.
Molecular consequence: missense variant.
Genome position (GRCh38, 1-based): chr1:160,135,986, C>G. VCF-style: chr1-160135986-C-G. GRCh37 (hg19) VCF-style: chr1-160105776-C-G.
Other names: short protein forms T811R.
Identifiers: ClinVar variation 2752869 (VCV002752869.3), dbSNP rs2524888699, ClinGen allele CA343250914.

ClinVar aggregate classification (germline): Pathogenic (1 of 4 stars; one submission).

Conditions:
Familial hemiplegic migraine. Identifiers: MedGen C0338484, MONDO:0000700.

Submission:

Labcorp Genetics (formerly Invitae), Labcorp
Classification: Pathogenic for Familial hemiplegic migraine. Last evaluated: 2024-08-15. Review status: criteria provided, single submitter. Criteria: Invitae Variant Classification Sherloc (09022015). Collection method: clinical testing. Allele origin: germline.
Comment: This sequence change replaces threonine, which is neutral and polar, with arginine, which is basic and polar, at codon 811 of the ATP1A2 protein (p.Thr811Arg). This variant is not present in population databases (gnomAD no frequency). This missense change has been observed in individual(s) with clinical features of developmental and epileptic encephalopathy (Invitae). In at least one individual the variant was observed to be de novo. Invitae Evidence Modeling of protein sequence and biophysical properties (such as structural, functional, and spatial information, amino acid conservation, physicochemical variation, residue mobility, and thermodynamic stability) indicates that this missense variant is expected to disrupt ATP1A2 protein function with a positive predictive value of 80%. For these reasons, this variant has been classified as Pathogenic.